The following is an entry in ClinVar:

NM_145239.3(PRRT2):c.639_640insC (p.Ala214fs)

Genes: MVP-DT (MVP divergent transcript; minus strand), PRRT2 (proline rich transmembrane protein 2; plus strand). Cytogenetic location: 16p11.2.
Variant type: Insertion.
Coding change: c.639_640insC on transcript NM_145239.3 (MANE Select); coding-DNA positions 639 to 640, C inserted.
Protein change: p.Ala214fs; shifts the reading frame from alanine 214.
Molecular consequence: frameshift variant.
Genome position: GRCh38 VCF-style: chr16-29813693-G-GC. GRCh37 (hg19) VCF-style: chr16-29825014-G-GC.
Other names: c.639_640insC, p.Ala214fs (NM_001256442.2, NM_001256443.2); short protein forms A214fs.
Identifiers: ClinVar variation 1397766 (VCV001397766.6), dbSNP rs2142425874, ClinGen allele CA645595364.

ClinVar aggregate classification (germline): Pathogenic (1 of 4 stars; one submission).

Conditions:
Episodic kinesigenic dyskinesia (EKD). Also called: Paroxysmal kinesigenic dyskinesia. Identifiers: Orphanet 98809, MedGen C1868682, MONDO:0044202.

Submission:

Labcorp Genetics (formerly Invitae), Labcorp
Classification: Pathogenic for Episodic kinesigenic dyskinesia. Last evaluated: 2024-09-02. Review status: criteria provided, single submitter. Criteria: Invitae Variant Classification Sherloc (09022015). Collection method: clinical testing. Allele origin: germline.
Comment: This sequence change creates a premature translational stop signal (p.Ala214Argfs*11) in the PRRT2 gene. It is expected to result in an absent or disrupted protein product. Loss-of-function variants in PRRT2 are known to be pathogenic (PMID: 22623405, 22744660). This variant is not present in population databases (gnomAD no frequency). This variant has not been reported in the literature in individuals affected with PRRT2-related conditions. ClinVar contains an entry for this variant (Variation ID: 1397766). For these reasons, this variant has been classified as Pathogenic.

Literature cited by the submitters: PubMed 22623405; PubMed 22744660.